The following is an entry in ClinVar:

ClinVar aggregate classification (germline): Uncertain significance. Review status: criteria provided, multiple submitters, no conflicts (2 of 4 stars). 3 submissions from 3 submitters: Uncertain significance (3). Last evaluated 2023-02-14.

Conditions:
Hereditary cancer-predisposing syndrome. Also called: Hereditary Cancer Syndrome; Neoplastic Syndromes, Hereditary; Tumor predisposition; Hereditary neoplastic syndrome. Identifiers: Orphanet 140162, MedGen C0027672, MeSH D009386, MONDO:0015356.
Hereditary diffuse gastric adenocarcinoma (HDGC). Also called: DIFFUSE GASTRIC AND LOBULAR BREAST CANCER SYNDROME. Identifiers: Orphanet 26106, MedGen C1708349, MONDO:0007648, OMIM 137215.

Allele frequency attached by ClinVar (database versions not stated): gnomAD exomes below 0.00001.
gnomAD v4.1: 1 of 1,614,156 alleles (0.000062%); highest among the groups gnomAD compares: Non-Finnish European, 0.000085%; no homozygotes.

Submissions (3):

Labcorp Genetics (formerly Invitae), Labcorp
Classification: Uncertain significance for Hereditary diffuse gastric adenocarcinoma. Last evaluated: 2023-02-14. Review status: criteria provided, single submitter. Criteria: Invitae Variant Classification Sherloc (09022015). Collection method: clinical testing. Allele origin: germline.
Comment: In summary, the available evidence is currently insufficient to determine the role of this variant in disease. Therefore, it has been classified as a Variant of Uncertain Significance. Algorithms developed to predict the effect of missense changes on protein structure and function are either unavailable or do not agree on the potential impact of this missense change (SIFT: "Deleterious"; PolyPhen-2: "Probably Damaging"; Align-GVGD: "Class C0"). ClinVar contains an entry for this variant (Variation ID: 231626). This variant has not been reported in the literature in individuals affected with CDH1-related conditions. This variant is not present in population databases (gnomAD no frequency). This sequence change replaces proline, which is neutral and non-polar, with leucine, which is neutral and non-polar, at codon 461 of the CDH1 protein (p.Pro461Leu).

Ambry Genetics
Classification: Uncertain significance for Hereditary cancer-predisposing syndrome. Last evaluated: 2021-06-02. Review status: criteria provided, single submitter. Criteria: Ambry Variant Classification Scheme 2023. Collection method: clinical testing. Allele origin: germline.
Comment: The p.P461L variant (also known as c.1382C>T), located in coding exon 10 of the CDH1 gene, results from a C to T substitution at nucleotide position 1382. The proline at codon 461 is replaced by leucine, an amino acid with similar properties. This amino acid position is well conserved in available vertebrate species. In addition, the in silico prediction for this alteration is inconclusive. Since supporting evidence is limited at this time, the clinical significance of this alteration remains unclear.

GeneDx
Classification: Uncertain significance. Last evaluated: 2021-04-08. Review status: criteria provided, single submitter. Criteria: GeneDx Variant Classification Process June 2021. Collection method: clinical testing. Allele origin: germline. Affected: yes.
Comment: Not observed in large population cohorts (Lek 2016); In silico analysis supports that this missense variant has a deleterious effect on protein structure/function; Has not been previously published as pathogenic or benign to our knowledge

NM_004360.5(CDH1):c.1382C>T (p.Pro461Leu)

Gene: CDH1 (cadherin 1; plus strand). Cytogenetic location: 16q22.1.
Variant type: single nucleotide variant.
Coding change: c.1382C>T on transcript NM_004360.5 (MANE Select); coding-DNA position 1382, C replaced by T.
Protein change: p.Pro461Leu; replaces proline 461 with leucine.
Molecular consequence: missense variant. On other transcripts: 5 prime UTR variant (2).
Genome position (GRCh38, 1-based): chr16:68,815,576, C>T. VCF-style: chr16-68815576-C-T. GRCh37 (hg19) VCF-style: chr16-68849479-C-T.
Other names: c.1382C>T (LRG_301t1); c.1199C>T, p.Pro400Leu (NM_001317184.2); c.-167C>T (NM_001317185.2); c.-438C>T (NM_001317186.2); short protein forms P461L, P400L.
Identifiers: ClinVar variation 231626 (VCV000231626.15), dbSNP rs876659268, ClinGen allele CA10580112.